The following is an entry in ClinVar:

ClinVar aggregate classification (germline): Uncertain significance. Review status: criteria provided, single submitter (1 of 4 stars). 2 submissions from 2 submitters: Uncertain significance (1). 1 of the submissions does not count toward it. Last evaluated 2023-09-27.

Submissions (2):

GeneDx
Classification: Uncertain significance. Last evaluated: 2023-09-27. Review status: criteria provided, single submitter. Criteria: GeneDx Variant Classification Process June 2021. Collection method: clinical testing. Allele origin: germline. Affected: yes.
Comment: Not observed at significant frequency in large population cohorts (gnomAD); In silico analysis supports that this missense variant does not alter protein structure/function; This variant is associated with the following publications: (PMID: 22360542, 12556295, 8956038, 7627182, 33309754, 28324312)

GenMed Metabolism Lab
Classification: Pathogenic. Review status: no assertion criteria provided. Collection method: not provided. Allele origin: unknown. Not counted in ClinVar's aggregate classification.
ClinVar note: Converted during submission from pathogenic to Pathogenic.

NM_000531.6(OTC):c.1028C>A (p.Thr343Lys)

Gene: OTC (ornithine transcarbamylase; plus strand). Cytogenetic location: Xp11.4.
Variant type: single nucleotide variant.
Coding change: c.1028C>A on transcript NM_000531.6 (MANE Select); coding-DNA position 1028, C replaced by A.
Protein change: p.Thr343Lys; replaces threonine 343 with lysine.
Molecular consequence: missense variant.
Genome position (GRCh38, 1-based): chrX:38,421,045, C>A. VCF-style: chrX-38421045-C-A. GRCh37 (hg19) VCF-style: chrX-38280298-C-A.
Other names: short protein forms T343K.
Identifiers: ClinVar variation 97099 (VCV000097099.3), dbSNP rs72558491, ClinGen allele CA224441.